The following is an entry in ClinVar:

ClinVar aggregate classification (germline): Uncertain significance (1 of 4 stars; one submission).

Conditions:
Congenital contractures of the limbs and face, hypotonia, and developmental delay (CLIFAHDD). Identifiers: Orphanet 562528, MedGen C4225398, MONDO:0014556, OMIM 616266.

Submission:

3billion
Classification: Uncertain significance for Congenital contractures of the limbs and face, hypotonia, and developmental delay. Last evaluated: 2026-01-12. Review status: criteria provided, single submitter. Criteria: ACMG Guidelines, 2015. Collection method: clinical testing. Allele origin: germline. Affected: yes.
Comment: The variant is not observed in the gnomAD v4.1.0 dataset. Predicted Consequence/Location: Missense variant In silico tool predictions suggest damaging effect of the variant on gene or gene product [REVEL: 0.90 (>=0.6, sensitivity 0.68 and specificity 0.92)]. Therefore, this variant is classified as VUS according to the recommendation of ACMG/AMP guideline.

NM_052867.4(NALCN):c.3601G>C (p.Ala1201Pro)

Gene: NALCN (sodium leak channel, non-selective; minus strand). Cytogenetic location: 13q32.3.
Variant type: single nucleotide variant.
Coding change: c.3601G>C on transcript NM_052867.4 (MANE Select); coding-DNA position 3601, G replaced by C.
Protein change: p.Ala1201Pro; replaces alanine 1201 with proline.
Molecular consequence: missense variant.
Genome position (GRCh38, 1-based): chr13:101,083,181, C>G on the plus strand (G>C on the coding strand, the complement: NALCN is on the minus strand). VCF-style: chr13-101083181-C-G. GRCh37 (hg19) VCF-style: chr13-101735532-C-G.
Other names: c.3688G>C, p.Ala1230Pro (NM_001350748.2); c.3601G>C, p.Ala1201Pro (NM_001350749.2); c.3514G>C, p.Ala1172Pro (NM_001350750.2, NM_001350751.2); short protein forms A1172P, A1201P, A1230P.
Identifiers: ClinVar variation 4856237 (VCV004856237.1).